The following is an entry in ClinVar:

NM_032237.5(POMK):c.773A>G (p.Gln258Arg)

Gene: POMK (protein O-mannose kinase; plus strand). Cytogenetic location: 8p11.21.
Variant type: single nucleotide variant.
Coding change: c.773A>G on transcript NM_032237.5 (MANE Select); coding-DNA position 773, A replaced by G.
Protein change: p.Gln258Arg; replaces glutamine 258 with arginine.
Molecular consequence: missense variant.
Genome position (GRCh38, 1-based): chr8:43,122,597, A>G. VCF-style: chr8-43122597-A-G. GRCh37 (hg19) VCF-style: chr8-42977740-A-G.
Other names: c.773A>G, p.Gln258Arg (NM_001277971.2); short protein forms Q258R.
Identifiers: ClinVar variation 50611 (VCV000050611.15), dbSNP rs397509386, ClinGen allele CA143783.

ClinVar aggregate classification (germline): Conflicting classifications of pathogenicity. Review status: criteria provided, conflicting classifications (1 of 4 stars). 4 submissions from 4 submitters: Likely pathogenic (1); Uncertain significance (2). 1 of the submissions does not count toward it. Last evaluated 2025-08-01.

Conditions:
Muscular dystrophy-dystroglycanopathy (congenital with brain and eye anomalies), type a, 12 (MDDGA12). Also called: WALKER-WARBURG SYNDROME OR MUSCLE-EYE-BRAIN DISEASE, POMK-RELATED. Identifiers: Orphanet 899, MedGen C3808964, MONDO:0014101, OMIM 615249.
Limb-girdle muscular dystrophy due to POMK deficiency. Also called: Muscular dystrophy-dystroglycanopathy (limb-girdle), type c, 12; MUSCULAR DYSTROPHY-DYSTROGLYCANOPATHY, LIMB-GIRDLE, POMK-RELATED. Identifiers: Orphanet 445110, MedGen C4015184, MONDO:0014489, OMIM 616094.

Allele frequency attached by ClinVar (database versions not stated): gnomAD exomes 0.00001 and 0.00003; TOPMed 0.00002; gnomAD 0.00003 and 0.00004.
gnomAD v4.1: 50 of 1,614,126 alleles (0.0031%); highest among the groups gnomAD compares: Non-Finnish European, 0.0041%; no homozygotes.

Submissions (4):

CeGaT Center for Human Genetics Tuebingen
Classification: Likely pathogenic. Last evaluated: 2025-08-01. Review status: criteria provided, single submitter. Criteria: CeGaT Center For Human Genetics Tuebingen Variant Classification Criteria Version 2. Collection method: clinical testing. Allele origin: germline. Affected: yes. Observed: 2 variant alleles.
Comment: POMK: PM2, PM3, PS3:Moderate

Labcorp Genetics (formerly Invitae), Labcorp
Classification: Uncertain significance for Muscular dystrophy-dystroglycanopathy (congenital with brain and eye anomalies), type a, 12; Limb-girdle muscular dystrophy due to POMK deficiency. Last evaluated: 2024-02-14. Review status: criteria provided, single submitter. Criteria: Invitae Variant Classification Sherloc (09022015). Collection method: clinical testing. Allele origin: germline.
Comment: This sequence change replaces glutamine, which is neutral and polar, with arginine, which is basic and polar, at codon 258 of the POMK protein (p.Gln258Arg). This variant is present in population databases (rs397509386, gnomAD 0.004%). This missense change has been observed in individual(s) with Walker-Warburg syndrome (PMID: 23519211). ClinVar contains an entry for this variant (Variation ID: 50611). Advanced modeling of protein sequence and biophysical properties (such as structural, functional, and spatial information, amino acid conservation, physicochemical variation, residue mobility, and thermodynamic stability) has been performed at Invitae for this missense variant, however the output from this modeling did not meet the statistical confidence thresholds required to predict the impact of this variant on POMK protein function. Experimental studies have shown that this missense change affects POMK function (PMID: 23519211). In summary, the available evidence is currently insufficient to determine the role of this variant in disease. Therefore, it has been classified as a Variant of Uncertain Significance.

Blueprint Genetics
Classification: Uncertain significance. Last evaluated: 2024-01-02. Review status: criteria provided, single submitter. Criteria: ACMG Guidelines, 2015. Collection method: clinical testing. Allele origin: germline.

OMIM
Classification: Pathogenic for MUSCULAR DYSTROPHY-DYSTROGLYCANOPATHY (CONGENITAL WITH BRAIN AND EYE ANOMALIES), TYPE A, 12. Last evaluated: 2013-04-26. Review status: no assertion criteria provided. Collection method: literature only. Allele origin: germline. Not counted in ClinVar's aggregate classification.

Literature cited by the submitters: PubMed 23519211 (cited by Labcorp Genetics (formerly Invitae), Labcorp and OMIM).